The following is an entry in ClinVar:

ClinVar aggregate classification (germline): Uncertain significance (1 of 4 stars; one submission).

Submission:

Labcorp Genetics (formerly Invitae), Labcorp
Classification: Uncertain significance. Last evaluated: 2024-10-14. Review status: criteria provided, single submitter. Criteria: Invitae Variant Classification Sherloc (09022015). Collection method: clinical testing. Allele origin: germline.
Comment: This sequence change replaces glutamine, which is neutral and polar, with glutamic acid, which is acidic and polar, at codon 1295 of the CIT protein (p.Gln1295Glu). This variant is not present in population databases (gnomAD no frequency). This variant has not been reported in the literature in individuals affected with CIT-related conditions. ClinVar contains an entry for this variant (Variation ID: 2122698). An algorithm developed to predict the effect of missense changes on protein structure and function (PolyPhen-2) suggests that this variant is likely to be tolerated. In summary, the available evidence is currently insufficient to determine the role of this variant in disease. Therefore, it has been classified as a Variant of Uncertain Significance.

NM_001206999.2(CIT):c.3883C>G (p.Gln1295Glu)

Gene: CIT (citron rho-interacting serine/threonine kinase; minus strand). Cytogenetic location: 12q24.23.
Variant type: single nucleotide variant.
Coding change: c.3883C>G on transcript NM_001206999.2 (MANE Select); coding-DNA position 3883, C replaced by G.
Protein change: p.Gln1295Glu; replaces glutamine 1295 with glutamic acid.
Molecular consequence: missense variant.
Genome position (GRCh38, 1-based): chr12:119,718,819, G>C on the plus strand (C>G on the coding strand, the complement: CIT is on the minus strand). VCF-style: chr12-119718819-G-C. GRCh37 (hg19) VCF-style: chr12-120156624-G-C.
Other names: c.3757C>G, p.Gln1253Glu (NM_007174.3); short protein forms Q1295E, Q1253E.
Identifiers: ClinVar variation 2122698 (VCV002122698.4), dbSNP rs2501245138, ClinGen allele CA386547296.